The following is an entry in ClinVar:

NM_000465.4(BARD1):c.889G>C (p.Val297Leu)

Gene: BARD1 (BRCA1 associated RING domain 1; minus strand). Cytogenetic location: 2q35.
Variant type: single nucleotide variant.
Coding change: c.889G>C on transcript NM_000465.4 (MANE Select); coding-DNA position 889, G replaced by C.
Protein change: p.Val297Leu; replaces valine 297 with leucine.
Molecular consequence: missense variant. On other transcripts: non-coding transcript variant (2), intron variant (3).
Genome position (GRCh38, 1-based): chr2:214,780,985, C>G on the plus strand (G>C on the coding strand, the complement: BARD1 is on the minus strand). VCF-style: chr2-214780985-C-G. GRCh37 (hg19) VCF-style: chr2-215645709-C-G.
Other names: c.832G>C, p.Val278Leu (NM_001282543.2); c.158+28427G>C (NM_001282548.2); c.215+16076G>C (NM_001282545.2); c.364+11312G>C (NM_001282549.2); short protein forms V297L, V278L.
Identifiers: ClinVar variation 1045003 (VCV001045003.12), dbSNP rs754720101, ClinGen allele CA350455140.

ClinVar aggregate classification (germline): Uncertain significance. Review status: criteria provided, multiple submitters, no conflicts (2 of 4 stars). 2 submissions from 2 submitters: Uncertain significance (2). Last evaluated 2025-06-02.

Conditions:
Hereditary cancer-predisposing syndrome. Also called: Hereditary Cancer Syndrome; Tumor predisposition; Hereditary neoplastic syndrome; Neoplastic Syndromes, Hereditary. Identifiers: Orphanet 140162, MedGen C0027672, MeSH D009386, MONDO:0015356.
Familial cancer of breast. Also called: Hereditary breast cancer; hereditary breast carcinoma; BREAST CANCER, FAMILIAL. Identifiers: Orphanet 227535, MedGen C0346153, MONDO:0016419, OMIM 114480. Disease mechanism: loss of function.

Submissions (2):

Labcorp Genetics (formerly Invitae), Labcorp
Classification: Uncertain significance for Familial cancer of breast. Last evaluated: 2025-06-02. Review status: criteria provided, single submitter. Criteria: Invitae Variant Classification Sherloc (09022015). Collection method: clinical testing. Allele origin: germline.
Comment: This sequence change replaces valine, which is neutral and non-polar, with leucine, which is neutral and non-polar, at codon 297 of the BARD1 protein (p.Val297Leu). This variant is not present in population databases (gnomAD no frequency). This variant has not been reported in the literature in individuals affected with BARD1-related conditions. ClinVar contains an entry for this variant (Variation ID: 1045003). An algorithm developed to predict the effect of missense changes on protein structure and function (PolyPhen-2) suggests that this variant is likely to be tolerated. In summary, the available evidence is currently insufficient to determine the role of this variant in disease. Therefore, it has been classified as a Variant of Uncertain Significance.

Ambry Genetics
Classification: Uncertain significance for Hereditary cancer-predisposing syndrome. Last evaluated: 2020-11-02. Review status: criteria provided, single submitter. Criteria: Ambry Variant Classification Scheme 2023. Collection method: clinical testing. Allele origin: germline.
Comment: The p.V297L variant (also known as c.889G>C), located in coding exon 4 of the BARD1 gene, results from a G to C substitution at nucleotide position 889. The valine at codon 297 is replaced by leucine, an amino acid with highly similar properties. This amino acid position is not well conserved in available vertebrate species. In addition, this alteration is predicted to be tolerated by in silico analysis. Since supporting evidence is limited at this time, the clinical significance of this alteration remains unclear.